The following is an entry in ClinVar:

ClinVar aggregate classification (germline): Uncertain significance (1 of 4 stars; one submission).

Allele frequency attached by ClinVar (database versions not stated): gnomAD 0.00001; ExAC 0.00002; TOPMed 0.00002; gnomAD exomes 0.00004.
gnomAD v4.1: 53 of 1,594,896 alleles (0.0033%); highest among the groups gnomAD compares: Non-Finnish European, 0.0044%; no homozygotes.

Submission:

Labcorp Genetics (formerly Invitae), Labcorp
Classification: Uncertain significance. Last evaluated: 2025-06-22. Review status: criteria provided, single submitter. Criteria: Invitae Variant Classification Sherloc (09022015). Collection method: clinical testing. Allele origin: germline.
Comment: This sequence change replaces aspartic acid, which is acidic and polar, with valine, which is neutral and non-polar, at codon 1867 of the HIVEP2 protein (p.Asp1867Val). This variant is present in population databases (rs764142193, gnomAD 0.004%). This variant has not been reported in the literature in individuals affected with HIVEP2-related conditions. ClinVar contains an entry for this variant (Variation ID: 2150364). Invitae Evidence Modeling of protein sequence and biophysical properties (such as structural, functional, and spatial information, amino acid conservation, physicochemical variation, residue mobility, and thermodynamic stability) indicates that this missense variant is expected to disrupt HIVEP2 protein function with a positive predictive value of 80%. In summary, the available evidence is currently insufficient to determine the role of this variant in disease. Therefore, it has been classified as a Variant of Uncertain Significance.

NM_006734.4(HIVEP2):c.5600A>T (p.Asp1867Val)

Gene: HIVEP2 (HIVEP zinc finger 2; minus strand). Cytogenetic location: 6q24.2.
Variant type: single nucleotide variant.
Coding change: c.5600A>T on transcript NM_006734.4 (MANE Select); coding-DNA position 5600, A replaced by T.
Protein change: p.Asp1867Val; replaces aspartic acid 1867 with valine.
Molecular consequence: missense variant.
Genome position (GRCh38, 1-based): chr6:142,761,484, T>A on the plus strand (A>T on the coding strand, the complement: HIVEP2 is on the minus strand). VCF-style: chr6-142761484-T-A. GRCh37 (hg19) VCF-style: chr6-143082621-T-A.
Other names: short protein forms D1867V.
Identifiers: ClinVar variation 2150364 (VCV002150364.4), dbSNP rs764142193, ClinGen allele CA4027844.